The following is an entry in ClinVar:

NM_000170.3(GLDC):c.2770_2774del (p.Ile924fs)

Gene: GLDC (glycine decarboxylase; minus strand). Cytogenetic location: 9p24.1.
Variant type: Deletion.
Coding change: c.2770_2774del on transcript NM_000170.3 (MANE Select); coding-DNA positions 2770 to 2774, 5 bases deleted (ATCAG; older notation c.2770_2774delATCAG).
Protein change: p.Ile924fs; shifts the reading frame from isoleucine 924.
Molecular consequence: frameshift variant.
Genome position (GRCh38, 1-based): chr9:6,536,128-6,536,132, CTGAT deleted on the plus strand (ATCAG on the coding strand, the reverse complement: GLDC is on the minus strand); deleting any 5 consecutive bases within chr9:6,536,128-6,536,133 gives the same sequence; the c. name uses the placement nearest the transcript's 3' end. VCF-style (leftmost placement, unchanged base first): chr9-6536127-GCTGAT-G. GRCh37 (hg19) VCF-style: chr9-6536127-GCTGAT-G.
Other names: short protein forms I924fs.
Identifiers: ClinVar variation 2024807 (VCV002024807.4), dbSNP rs1817122287, ClinGen allele CA1830472772.

ClinVar aggregate classification (germline): Pathogenic (1 of 4 stars; one submission).

Conditions:
Glycine encephalopathy. Also called: Nonketotic hyperglycinemia; Non-ketotic hyperglycinemia. Identifiers: Orphanet 407, MedGen C0751748, MONDO:0011612, HP:0008288.

Submission:

Labcorp Genetics (formerly Invitae), Labcorp
Classification: Pathogenic for Glycine encephalopathy. Last evaluated: 2022-08-19. Review status: criteria provided, single submitter. Criteria: Invitae Variant Classification Sherloc (09022015). Collection method: clinical testing. Allele origin: germline.
Comment: For these reasons, this variant has been classified as Pathogenic. This variant has not been reported in the literature in individuals affected with GLDC-related conditions. This variant is not present in population databases (gnomAD no frequency). This sequence change creates a premature translational stop signal (p.Ile924Hisfs*7) in the GLDC gene. It is expected to result in an absent or disrupted protein product. Loss-of-function variants in GLDC are known to be pathogenic (PMID: 16601880).

Literature cited by the submitters: PubMed 16601880.